The following is an entry in ClinVar:

NM_001376.5(DYNC1H1):c.13272del (p.Gln4425fs)

Gene: DYNC1H1 (dynein cytoplasmic 1 heavy chain 1; plus strand). Cytogenetic location: 14q32.31.
Variant type: Deletion.
Coding change: c.13272del on transcript NM_001376.5 (MANE Select); coding-DNA position 13272, one base deleted (T; older notation c.13272delT).
Protein change: p.Gln4425fs; shifts the reading frame from glutamine 4425.
Molecular consequence: frameshift variant.
Genome position (GRCh38, 1-based): chr14:102,048,569, T deleted; the last of 2 consecutive T bases (chr14:102,048,568-102,048,569); deleting either gives the same sequence. VCF-style (leftmost placement, unchanged base first): chr14-102048567-CT-C. GRCh37 (hg19) VCF-style: chr14-102514904-CT-C.
Other names: short protein forms Q4425fs.
Identifiers: ClinVar variation 3650197 (VCV003650197.2).
Genomic context (GRCh38, chr14:102,048,567, plus strand): 5'-CGATTTTAGGATCCTTTGTTCAGGTTCTTTGAGAGAGAAGTGAAGATGGGCGCAAAGCTG[CT>C]TCAGGACGTTCGCCAGGACCTTGCAGATGTCGTCCAGGTGTGCGAAGGAAAGAAGAAGCA-3'

ClinVar aggregate classification (germline): Uncertain significance (1 of 4 stars; one submission).

Conditions:
Charcot-Marie-Tooth disease axonal type 2O. Also called: CHARCOT-MARIE-TOOTH NEUROPATHY, AXONAL, TYPE 2O; CHARCOT-MARIE-TOOTH DISEASE, AXONAL, AUTOSOMAL DOMINANT, TYPE 2O; Charcot-Marie-Tooth Neuropathy Type 2O; Charcot-Marie-Tooth disease, axonal, type 20. Identifiers: Orphanet 284232, MedGen C3280220, MONDO:0013644, OMIM 614228.

Submission:

Labcorp Genetics (formerly Invitae), Labcorp
Classification: Uncertain significance for Charcot-Marie-Tooth disease axonal type 2O. Last evaluated: 2024-04-17. Review status: criteria provided, single submitter. Criteria: Invitae Variant Classification Sherloc (09022015). Collection method: clinical testing. Allele origin: germline.
Comment: This sequence change creates a premature translational stop signal (p.Gln4425Argfs*27) in the DYNC1H1 gene. It is expected to result in an absent or disrupted protein product. However, the current clinical and genetic evidence is not sufficient to establish whether loss-of-function variants in DYNC1H1 cause disease. This variant is not present in population databases (gnomAD no frequency). This variant has not been reported in the literature in individuals affected with DYNC1H1-related conditions. In summary, the available evidence is currently insufficient to determine the role of this variant in disease. Therefore, it has been classified as a Variant of Uncertain Significance.